The following is an entry in ClinVar:

NM_001005242.3(PKP2):c.397C>T (p.Gln133Ter)

Gene: PKP2 (plakophilin 2; minus strand). Cytogenetic location: 12p11.21.
Variant type: single nucleotide variant.
Coding change: c.397C>T on transcript NM_001005242.3 (MANE Select); coding-DNA position 397, C replaced by T.
Protein change: p.Gln133Ter; replaces glutamine 133 with a stop codon.
Molecular consequence: nonsense.
Genome position (GRCh38, 1-based): chr12:32,878,483, G>A on the plus strand (C>T on the coding strand, the complement: PKP2 is on the minus strand). VCF-style: chr12-32878483-G-A. GRCh37 (hg19) VCF-style: chr12-33031417-G-A.
Other names: p.Q133*:CAG>TAG; c.397C>T, p.Gln133Ter (NM_004572.4); short protein forms Q133*.
Identifiers: ClinVar variation 202027 (VCV000202027.18), dbSNP rs794729132, ClinGen allele CA012301.

ClinVar aggregate classification (germline): Pathogenic. Review status: criteria provided, multiple submitters, no conflicts (2 of 4 stars). 10 submissions from 10 submitters: Pathogenic (6). 4 of the submissions do not count toward it. Last evaluated 2023-12-06.

Conditions:
Familial isolated arrhythmogenic right ventricular dysplasia. Identifiers: Orphanet 217656, MedGen C4274968, MONDO:0016342.
Cardiovascular phenotype. Identifiers: MedGen CN230736.
Arrhythmogenic right ventricular dysplasia 9 (ARVD9). Also called: ARRHYTHMOGENIC RIGHT VENTRICULAR DYSPLASIA, FAMILIAL, 9; Arrhythmogenic Right Ventricular Dysplasia/Cardiomyopathy 9. Identifiers: MedGen C1836906, MONDO:0012180, OMIM 609040.

Submissions (10):

Labcorp Genetics (formerly Invitae), Labcorp
Classification: Pathogenic for Arrhythmogenic right ventricular dysplasia 9. Last evaluated: 2023-12-06. Review status: criteria provided, single submitter. Criteria: Invitae Variant Classification Sherloc (09022015). Collection method: clinical testing. Allele origin: germline.
Comment: This sequence change creates a premature translational stop signal (p.Gln133*) in the PKP2 gene. It is expected to result in an absent or disrupted protein product. Loss-of-function variants in PKP2 are known to be pathogenic (PMID: 15489853, 23911551). This variant is not present in population databases (gnomAD no frequency). This premature translational stop signal has been observed in individuals with arrhythmogenic right ventricular cardiomyopathy (PMID: 16567567). ClinVar contains an entry for this variant (Variation ID: 202027). For these reasons, this variant has been classified as Pathogenic.

AiLife Diagnostics
Classification: Pathogenic. Last evaluated: 2020-05-28. Review status: criteria provided, single submitter. Criteria: ACMG Guidelines, 2015. Collection method: clinical testing. Allele origin: germline. Affected: yes. Observed: 1 variant allele.

Women's Health and Genetics/Laboratory Corporation of America, LabCorp
Classification: Pathogenic for Arrhythmogenic right ventricular dysplasia/cardiomyopathy. Last evaluated: 2019-11-04. Review status: criteria provided, single submitter. Criteria: LabCorp Variant Classification Summary - May 2015. Collection method: clinical testing. Allele origin: germline.
Comment: Variant summary: PKP2 c.397C>T (p.Gln133X) results in a premature termination codon, predicted to cause a truncation of the encoded protein or absence of the protein due to nonsense mediated decay, which are commonly known mechanisms for disease. Truncations downstream of this position have been classified as pathogenic by our laboratory. The variant was absent in 250340 control chromosomes (gnomAD). c.397C>T has been reported in the literature in multiple individuals affected with Arrhythmogenic Right Ventricular Dysplasia/Cardiomyopathy and has been shown to cosegregate with disease in families (e.g. Groeneweg_2015, vanTintelen_2006). These data indicate that the variant is very likely to be associated with disease. No clinical diagnostic laboratories have submitted clinical-significance assessments for this variant to ClinVar after 2014. Based on the evidence outlined above, the variant was classified as pathogenic.

Ambry Genetics
Classification: Pathogenic for Cardiovascular phenotype. Last evaluated: 2019-04-30. Review status: criteria provided, single submitter. Criteria: Ambry Variant Classification Scheme 2023. Collection method: clinical testing. Allele origin: germline.
Comment: The p.Q133* pathogenic mutation (also known as c.397C>T), located in coding exon 3 of the PKP2 gene, results from a C to T substitution at nucleotide position 397. This changes the amino acid from a glutamine to a stop codon within coding exon 3. This alteration has been reported in association with arrhythmogenic right ventricular cardiomyopathy (ARVC) (van Tintelen JP et al. Circulation, 2006 Apr;113:1650-8; Cox MG et al. Circulation, 2011 Jun;123:2690-700; Kapplinger JD et al. J. Am. Coll. Cardiol., 2011 Jun;57:2317-27). In addition to the clinical data presented in the literature, this alteration is expected to result in loss of function by premature protein truncation or nonsense-mediated mRNA decay. As such, this alteration is interpreted as a disease-causing mutation.

Genome Diagnostics Laboratory, University Medical Center Utrecht
Classification: Pathogenic for Arrhythmogenic right ventricular dysplasia 9. Last evaluated: 2014-10-08. Review status: criteria provided, single submitter. Criteria: ACGS Guidelines, 2013. Collection method: clinical testing. Allele origin: germline. Affected: yes. Study: VKGL Data-share Consensus.

GeneDx
Classification: Pathogenic. Last evaluated: 2011-11-30. Review status: criteria provided, single submitter. Criteria: GeneDx Variant Classification (06012015). Collection method: clinical testing. Allele origin: germline. Affected: yes.
Comment: This mutation is denoted Gln133Stop (aka Q133X) at the protein level and c.397 C>T at the cDNA level. The Gln133Stop mutation in the PKP2 gene has been reported multiple times in association with ARVC (Van Tintelen et al, 2006; Cox et al, 2011; Kapplinger et al, 2011). Van Tintelen et al. (2006) initially identified the Gln133Stop mutation in two individuals diagnosed with ARVC, and this mutation was absent from 300 control alleles (Van Tintelen et al, 2006). Haplotype analysis in these two individuals revealed shared alleles, suggesting the Gln133Stop mutation may be a founder mutation in the Dutch population (Van Tintelen et al, 2006). Cox et al. (2011) identified the Gln133Stop mutation in seven additional probands with ARVC, three of whom harbored a missense variant of unknown significance in the DSG2 gene (Cox et al, 2011). The Gln133Stop mutation is predicted to cause a loss of normal protein function either through protein truncation or nonsense-mediated mRNA decay. The variant is found in ARVC panel(s).

Clinical Genetics DNA and cytogenetics Diagnostics Lab, Erasmus MC, Erasmus Medical Center
Classification: Pathogenic. Review status: no assertion criteria provided. Collection method: clinical testing. Allele origin: germline. Affected: yes. Study: VKGL Data-share Consensus. Not counted in ClinVar's aggregate classification.

Clinical Genetics, Academic Medical Center
Classification: Pathogenic. Review status: no assertion criteria provided. Collection method: clinical testing. Allele origin: germline. Affected: yes. Study: VKGL Data-share Consensus. Not counted in ClinVar's aggregate classification.

Diagnostic Laboratory, Department of Genetics, University Medical Center Groningen
Classification: Pathogenic. Review status: no assertion criteria provided. Collection method: clinical testing. Allele origin: germline. Affected: yes. Study: VKGL Data-share Consensus. Not counted in ClinVar's aggregate classification.

Joint Genome Diagnostic Labs from Nijmegen and Maastricht, Radboudumc and MUMC+
Classification: Pathogenic. Review status: no assertion criteria provided. Collection method: clinical testing. Allele origin: germline. Affected: yes. Study: VKGL Data-share Consensus. Not counted in ClinVar's aggregate classification.

Literature cited by the submitters: PubMed 15489853 (cited by Labcorp Genetics (formerly Invitae), Labcorp); PubMed 23911551 (cited by Labcorp Genetics (formerly Invitae), Labcorp); PubMed 16567567 (cited by 4 submitters); PubMed 25525159 (cited by AiLife Diagnostics); PubMed 25820315 (cited by Women's Health and Genetics/Laboratory Corporation of America, LabCorp and Ambry Genetics); PubMed 21606396 (cited by Ambry Genetics); PubMed 21636032 (cited by Ambry Genetics); PubMed 22458570 (cited by Ambry Genetics).